The following is an entry in ClinVar:

NM_000179.3(MSH6):c.1010_1011dup (p.Arg338Ter)

Gene: MSH6 (mutS homolog 6; plus strand). Cytogenetic location: 2p16.3.
Variant type: Duplication.
Coding change: c.1010_1011dup on transcript NM_000179.3 (MANE Select); coding-DNA positions 1010 to 1011, 2 bases duplicated (TG; older notation c.1010_1011dupTG).
Protein change: p.Arg338Ter; replaces arginine 338 with a stop codon.
Molecular consequence: nonsense.
Genome position (GRCh38, 1-based): chr2:47,798,993-47,798,994, TG duplicated. VCF-style (leftmost placement, unchanged base first): chr2-47798992-T-TTG. GRCh37 (hg19) VCF-style: chr2-48026131-T-TTG.
Other names: c.620_621dup, p.Arg208Ter (NM_001281492.2); c.104_105dup, p.Arg36Ter (NM_001281493.2, NM_001281494.2); short protein forms R208*, R36*, R338*.
Identifiers: ClinVar variation 822006 (VCV000822006.4), dbSNP rs1572721251, ClinGen allele CA915943804.

ClinVar aggregate classification (germline): Pathogenic (1 of 4 stars; one submission).

Conditions:
Hereditary cancer-predisposing syndrome. Also called: Tumor predisposition; Hereditary Cancer Syndrome; Neoplastic Syndromes, Hereditary; Hereditary neoplastic syndrome. Identifiers: Orphanet 140162, MedGen C0027672, MeSH D009386, MONDO:0015356.

Submission:

Ambry Genetics
Classification: Pathogenic for Hereditary cancer-predisposing syndrome. Last evaluated: 2018-10-29. Review status: criteria provided, single submitter. Criteria: Ambry Variant Classification Scheme 2023. Collection method: clinical testing. Allele origin: germline.
Comment: The c.1010_1011dupTG pathogenic mutation (also known as p.R338*), located in coding exon 4 of the MSH6 gene, results from a duplication of TG at nucleotide position 1010 to 1011. This changes the amino acid from an arginine to a stop codon within coding exon 4. This alteration is expected to result in loss of function by premature protein truncation or nonsense-mediated mRNA decay. As such, this alteration is interpreted as a disease-causing mutation.